The following is an entry in ClinVar:

ClinVar aggregate classification (germline): Uncertain significance (1 of 4 stars; one submission).

Conditions:
Ullrich congenital muscular dystrophy 2 (UCMD2). Identifiers: Orphanet 75840, MedGen C4225314, MONDO:0014654, OMIM 616470.
Bethlem myopathy 2 (BTHLM2). Identifiers: Orphanet 536516, Orphanet 610, MedGen C4225313, MONDO:0034022, OMIM 616471.

Submission:

Labcorp Genetics (formerly Invitae), Labcorp
Classification: Uncertain significance for Bethlem myopathy 2; Ullrich congenital muscular dystrophy 2. Last evaluated: 2023-12-28. Review status: criteria provided, single submitter. Criteria: Invitae Variant Classification Sherloc (09022015). Collection method: clinical testing. Allele origin: germline.
Comment: This sequence change falls in intron 21 of the COL12A1 gene. It does not directly change the encoded amino acid sequence of the COL12A1 protein. It affects a nucleotide within the consensus splice site. This variant is not present in population databases (gnomAD no frequency). This variant has not been reported in the literature in individuals affected with COL12A1-related conditions. Variants that disrupt the consensus splice site are a relatively common cause of aberrant splicing (PMID: 17576681, 9536098). Algorithms developed to predict the effect of sequence changes on RNA splicing suggest that this variant is not likely to affect RNA splicing. In summary, the available evidence is currently insufficient to determine the role of this variant in disease. Therefore, it has been classified as a Variant of Uncertain Significance.

Literature cited by the submitters: PubMed 17576681; PubMed 9536098.

NM_004370.6(COL12A1):c.4147+4A>T

Gene: COL12A1 (collagen type XII alpha 1 chain; minus strand). Cytogenetic location: 6q13.
Variant type: single nucleotide variant.
Coding change: c.4147+4A>T on transcript NM_004370.6 (MANE Select); 4 bases into the intron after coding-DNA position 4147, A replaced by T.
Molecular consequence: intron variant.
Genome position (GRCh38, 1-based): chr6:75,151,137, T>A on the plus strand (A>T on the coding strand, the complement: COL12A1 is on the minus strand). VCF-style: chr6-75151137-T-A. GRCh37 (hg19) VCF-style: chr6-75860853-T-A.
Other names: c.655+4A>T (NM_001424116.1, NM_080645.3); c.3874+4A>T (NM_001424115.1); c.4147+4A>T (NM_001424114.1, NM_001424113.1).
Identifiers: ClinVar variation 2921755 (VCV002921755.3), dbSNP rs1233653646, ClinGen allele CA2740091419.